The following is an entry in ClinVar:

NM_001130823.3(DNMT1):c.4849C>T (p.Arg1617Ter)

Gene: DNMT1 (DNA methyltransferase 1; minus strand). Cytogenetic location: 19p13.2.
Variant type: single nucleotide variant.
Coding change: c.4849C>T on transcript NM_001130823.3 (MANE Select); coding-DNA position 4849, C replaced by T.
Protein change: p.Arg1617Ter; replaces arginine 1617 with a stop codon.
Molecular consequence: nonsense.
Genome position (GRCh38, 1-based): chr19:10,134,232, G>A on the plus strand (C>T on the coding strand, the complement: DNMT1 is on the minus strand). VCF-style: chr19-10134232-G-A. GRCh37 (hg19) VCF-style: chr19-10244908-G-A.
Other names: c.4810C>T, p.Arg1604Ter (NM_001318730.2); c.4486C>T, p.Arg1496Ter (NM_001318731.2); c.4801C>T, p.Arg1601Ter (NM_001379.4); short protein forms R1604*, R1496*, R1601*, R1617*.
Identifiers: ClinVar variation 956000 (VCV000956000.7), dbSNP rs948663724, ClinGen allele CA305217346.

ClinVar aggregate classification (germline): Uncertain significance (1 of 4 stars; one submission).

Conditions:
Hereditary sensory neuropathy-deafness-dementia syndrome. Also called: Hereditary sensory neuropathy type IE; NEUROPATHY, HEREDITARY SENSORY, WITH HEARING LOSS AND DEMENTIA; HSN IE; Hereditary Sensory and Autonomic Neuropathy Type 1E (HSAN1E). Identifiers: Orphanet 456318, MedGen C3279885, MONDO:0013584, OMIM 614116.

Allele frequency attached by ClinVar (database versions not stated): gnomAD exomes below 0.00001; TOPMed below 0.00001.
gnomAD v4.1: 4 of 1,614,182 alleles (0.00025%); highest among the groups gnomAD compares: Non-Finnish European, 0.00025%; no homozygotes.

Submission:

Labcorp Genetics (formerly Invitae), Labcorp
Classification: Uncertain significance for Hereditary sensory neuropathy-deafness-dementia syndrome. Last evaluated: 2019-10-26. Review status: criteria provided, single submitter. Criteria: Invitae Variant Classification Sherloc (09022015). Collection method: clinical testing. Allele origin: germline.
Comment: In summary, the available evidence is currently insufficient to determine the role of this variant in disease. Therefore, it has been classified as a Variant of Uncertain Significance. Experimental studies and prediction algorithms are not available or were not evaluated, and the functional significance of this variant is currently unknown. This variant has not been reported in the literature in individuals with DNMT1-related conditions. This variant is not present in population databases (ExAC no frequency). This sequence change results in a premature translational stop signal in the DNMT1 gene (p.Arg1617*). While this is not anticipated to result in nonsense mediated decay, it is expected to disrupt the last 16 amino acids of the DNMT1 protein.